The following is an entry in ClinVar:

NM_000781.3(CYP11A1):c.1270C>T (p.Arg424Ter)

Gene: CYP11A1 (cytochrome P450 family 11 subfamily A member 1; minus strand). Cytogenetic location: 15q24.1.
Variant type: single nucleotide variant.
Coding change: c.1270C>T on transcript NM_000781.3 (MANE Select); coding-DNA position 1270, C replaced by T.
Protein change: p.Arg424Ter; replaces arginine 424 with a stop codon.
Molecular consequence: nonsense.
Genome position (GRCh38, 1-based): chr15:74,338,735, G>A on the plus strand (C>T on the coding strand, the complement: CYP11A1 is on the minus strand). VCF-style: chr15-74338735-G-A. GRCh37 (hg19) VCF-style: chr15-74631076-G-A.
Other names: c.796C>T, p.Arg266Ter (NM_001099773.2); short protein forms R266*, R424*.
Identifiers: ClinVar variation 1804587 (VCV001804587.4), dbSNP rs762412759, ClinGen allele CA7656306.

ClinVar aggregate classification (germline): Pathogenic. Review status: criteria provided, multiple submitters, no conflicts (2 of 4 stars). 4 submissions from 4 submitters: Pathogenic (4). Last evaluated 2024-11-04.

Conditions:
CYP11A1-related disorder. Also called: CYP11A1-related condition.
Congenital adrenal insufficiency with 46, XY sex reversal OR 46,XY disorder of sex development-adrenal insufficiency due to CYP11A1 deficiency. Also called: Congenital adrenal insuffiency with 46, XY sex reversal OR 46,XY disorder of sex development-adrenal insufficiency due to CYP11A1 deficiency; P450scc DEFICIENCY. Identifiers: Orphanet 168558, MedGen C3151055, MONDO:0013400, OMIM 613743.

Allele frequency attached by ClinVar (database versions not stated): ExAC 0.00001; TOPMed 0.00001; gnomAD 0.00002.
gnomAD v4.1: 55 of 1,613,990 alleles (0.0034%); highest among the groups gnomAD compares: Non-Finnish European, 0.0045%; no homozygotes.

Submissions (4):

PreventionGenetics, part of Exact Sciences
Classification: Pathogenic for CYP11A1-related condition. Last evaluated: 2024-11-04. Review status: criteria provided, single submitter. Criteria: ACMG Guidelines, 2015. Collection method: clinical testing. Allele origin: germline.
Comment: The CYP11A1 c.1270C>T variant is predicted to result in premature protein termination (p.Arg424*). This variant was reported in an individual with adrenal insufficiency (Maharaj et al. 2019. PubMed ID: 30620006). This variant is reported in 0.0050% of alleles in individuals of East Asian descent in gnomAD. Nonsense variants in CYP11A1 are expected to be pathogenic. This variant is interpreted as pathogenic.

Fulgent Genetics
Classification: Pathogenic for Congenital adrenal insufficiency with 46, XY sex reversal OR 46,XY disorder of sex development-adrenal insufficiency due to CYP11A1 deficiency. Last evaluated: 2024-04-14. Review status: criteria provided, single submitter. Criteria: ACMG Guidelines, 2015. Collection method: clinical testing. Allele origin: germline.

Labcorp Genetics (formerly Invitae), Labcorp
Classification: Pathogenic. Last evaluated: 2023-07-09. Review status: criteria provided, single submitter. Criteria: Invitae Variant Classification Sherloc (09022015). Collection method: clinical testing. Allele origin: germline.
Comment: For these reasons, this variant has been classified as Pathogenic. ClinVar contains an entry for this variant (Variation ID: 1804587). This premature translational stop signal has been observed in individual(s) with primary adrenal insufficiency (PMID: 30620006). This variant is present in population databases (rs762412759, gnomAD 0.005%). This sequence change creates a premature translational stop signal (p.Arg424*) in the CYP11A1 gene. It is expected to result in an absent or disrupted protein product. Loss-of-function variants in CYP11A1 are known to be pathogenic (PMID: 15507506, 22435390, 27855232, 229968487).

GeneDx
Classification: Pathogenic. Last evaluated: 2022-10-07. Review status: criteria provided, single submitter. Criteria: GeneDx Variant Classification Process June 2021. Collection method: clinical testing. Allele origin: germline. Affected: yes.
Comment: Reported in a patient with primary adrenal insufficieny who also harbored a pathogenic variant presumably in trans; however, it is not clear whether phase was confirmed for this specific patient (Maharaj et al., 2019); Nonsense variant predicted to result in protein truncation or nonsense mediated decay in a gene for which loss of function is a known mechanism of disease; This variant is associated with the following publications: (PMID: 30620006)

Literature cited by the submitters: PubMed 30620006 (cited by Labcorp Genetics (formerly Invitae), Labcorp); PubMed 15507506 (cited by Labcorp Genetics (formerly Invitae), Labcorp); PubMed 22435390 (cited by Labcorp Genetics (formerly Invitae), Labcorp); PubMed 27855232 (cited by Labcorp Genetics (formerly Invitae), Labcorp); PubMed 229968487 (cited by Labcorp Genetics (formerly Invitae), Labcorp).